The following is an entry in ClinVar:

NM_000812.4(GABRB1):c.1080G>A (p.Gln360=)

Gene: GABRB1 (gamma-aminobutyric acid type A receptor subunit beta1; plus strand). Cytogenetic location: 4p12.
Variant type: single nucleotide variant.
Coding change: c.1080G>A on transcript NM_000812.4 (MANE Select); coding-DNA position 1080, G replaced by A.
Protein change: p.Gln360=; no amino-acid change (glutamine 360 retained).
Molecular consequence: synonymous variant.
Genome position (GRCh38, 1-based): chr4:47,406,926, G>A. VCF-style: chr4-47406926-G-A. GRCh37 (hg19) VCF-style: chr4-47408943-G-A.
Identifiers: ClinVar variation 2811982 (VCV002811982.3), dbSNP rs748346475, ClinGen allele CA439245933.

ClinVar aggregate classification (germline): Uncertain significance (1 of 4 stars; one submission).

Allele frequency attached by ClinVar (database versions not stated): TOPMed below 0.00001; gnomAD 0.00001.
gnomAD v4.1: 1 of 1,612,884 alleles (0.000062%); highest among the groups gnomAD compares: Non-Finnish European, 0.000085%; no homozygotes.

Submission:

Labcorp Genetics (formerly Invitae), Labcorp
Classification: Uncertain significance. Last evaluated: 2024-09-30. Review status: criteria provided, single submitter. Criteria: Invitae Variant Classification Sherloc (09022015). Collection method: clinical testing. Allele origin: germline.
Comment: This sequence change affects codon 360 of the GABRB1 mRNA. It is a 'silent' change, meaning that it does not change the encoded amino acid sequence of the GABRB1 protein. This variant also falls at the last nucleotide of exon 8, which is part of the consensus splice site for this exon. This variant is not present in population databases (gnomAD no frequency). This variant has not been reported in the literature in individuals affected with GABRB1-related conditions. Variants that disrupt the consensus splice site are a relatively common cause of aberrant splicing (PMID: 17576681, 9536098). Algorithms developed to predict the effect of sequence changes on RNA splicing suggest that this variant is not likely to affect RNA splicing. In summary, the available evidence is currently insufficient to determine the role of this variant in disease. Therefore, it has been classified as a Variant of Uncertain Significance.

Literature cited by the submitters: PubMed 17576681; PubMed 9536098.